The following is an entry in ClinVar:

NM_001034116.2(EIF2B4):c.1120C>T (p.Arg374Cys)

Genes: EIF2B4 (eukaryotic translation initiation factor 2B subunit delta; minus strand), GTF3C2-AS2 (GTF3C2 antisense RNA 2; plus strand). Cytogenetic location: 2p23.3.
Variant type: single nucleotide variant.
Coding change: c.1120C>T on transcript NM_001034116.2 (MANE Select); coding-DNA position 1120, C replaced by T.
Protein change: p.Arg374Cys; replaces arginine 374 with cysteine.
Molecular consequence: missense variant.
Genome position (GRCh38, 1-based): chr2:27,366,830, G>A on the plus strand (C>T on the coding strand, the complement: EIF2B4 is on the minus strand). VCF-style: chr2-27366830-G-A. GRCh37 (hg19) VCF-style: chr2-27589697-G-A.
Other names: c.1183C>T, p.Arg395Cys (NM_001318965.2); c.1075C>T, p.Arg359Cys (NM_001318966.2); c.1027C>T, p.Arg343Cys (NM_001318967.2); c.535C>T, p.Arg179Cys (NM_001318968.2); c.502C>T, p.Arg168Cys (NM_001318969.2); c.1117C>T, p.Arg373Cys (NM_015636.4); c.1180C>T, p.Arg394Cys (NM_172195.4); short protein forms R374C, R179C, R343C, R394C, R395C, R168C, R359C, R373C.
Identifiers: ClinVar variation 4118 (VCV000004118.15), dbSNP rs113994035, ClinGen allele CA340162.
Genomic context (GRCh38, chr2:27,366,830, plus strand): 5'-CATAGGAGGCTGCAGGAATCAGCAGGTAGGAGGCTGGGACACCAGCATGGACTAGAGAAC[G>A]TAGTGTGTGCCTTCCTTCCAGCCATGGCCGGCTGTCCACCACTACCACCCGAAACCGCCG-3'
Protein context (NP_001029288.1, residues 364-384): RPWLEGRHTL[Arg374Cys]SLVHAGVPAS

ClinVar aggregate classification (germline): Conflicting classifications of pathogenicity. Review status: criteria provided, conflicting classifications (1 of 4 stars). 4 submissions from 4 submitters: Pathogenic (1); Likely pathogenic (1); Uncertain significance (1). 1 of the submissions does not count toward it. Last evaluated 2025-12-24.

Conditions:
Leukoencephalopathy with vanishing white matter 4 (VWM4). Also called: EIF2B4-Related Childhood Ataxia with Central Nervous System Hypomyelination/Vanishing White Matter; Leukoencephalopathy with vanishing white matter 4, with or without ovarian failure. Identifiers: MedGen C5830406, MONDO:0957872, OMIM 620314.

Allele frequency attached by ClinVar (database versions not stated): gnomAD exomes 0.00007; gnomAD 0.00007; TOPMed 0.00012.
gnomAD v4.1: 78 of 1,614,096 alleles (0.0048%); highest among the groups gnomAD compares: Admixed American, 0.035%; no homozygotes.

Submissions (4):

Labcorp Genetics (formerly Invitae), Labcorp
Classification: Pathogenic. Last evaluated: 2025-12-24. Review status: criteria provided, single submitter. Criteria: Invitae Variant Classification Sherloc (09022015). Collection method: clinical testing. Allele origin: germline.
Comment: This sequence change replaces arginine, which is basic and polar, with cysteine, which is neutral and slightly polar, at codon 373 of the EIF2B4 protein (p.Arg373Cys). This variant is present in population databases (rs113994035, gnomAD 0.03%). This missense change has been observed in individuals with EIF2B4-related conditions (PMID: 11835386, 15054402, 15776425, 18263758, 25089094, 29331873). This variant is also known as R374C. ClinVar contains an entry for this variant (Variation ID: 4118). An algorithm developed to predict the effect of missense changes on protein structure and function (PolyPhen-2) suggests that this variant is likely to be disruptive. This variant disrupts the p.Arg373 amino acid residue in EIF2B4. Other variant(s) that disrupt this residue have been observed in individuals with EIF2B4-related conditions (PMID: 33432707), which suggests that this may be a clinically significant amino acid residue. For these reasons, this variant has been classified as Pathogenic.

Fulgent Genetics
Classification: Likely pathogenic for Leukoencephalopathy with vanishing white matter 4. Last evaluated: 2024-01-27. Review status: criteria provided, single submitter. Criteria: ACMG Guidelines, 2015. Collection method: clinical testing. Allele origin: germline.

GeneDx
Classification: Uncertain significance. Last evaluated: 2021-07-17. Review status: criteria provided, single submitter. Criteria: GeneDx Variant Classification Process June 2021. Collection method: clinical testing. Allele origin: germline. Affected: yes.
Comment: In silico analysis supports that this missense variant has a deleterious effect on protein structure/function; This variant is associated with the following publications: (PMID: 11835386, 29331873, 27535533, 32962729, 15776425)

OMIM
Classification: Pathogenic for LEUKOENCEPHALOPATHY WITH VANISHING WHITE MATTER 4. Last evaluated: 2002-02-01. Review status: no assertion criteria provided. Collection method: literature only. Allele origin: germline. Not counted in ClinVar's aggregate classification.

Literature cited by the submitters: PubMed 11835386 (cited by Labcorp Genetics (formerly Invitae), Labcorp and OMIM); PubMed 15054402 (cited by Labcorp Genetics (formerly Invitae), Labcorp); PubMed 15776425 (cited by Labcorp Genetics (formerly Invitae), Labcorp); PubMed 18263758 (cited by Labcorp Genetics (formerly Invitae), Labcorp); PubMed 25089094 (cited by Labcorp Genetics (formerly Invitae), Labcorp); PubMed 29331873 (cited by Labcorp Genetics (formerly Invitae), Labcorp); PubMed 33432707 (cited by Labcorp Genetics (formerly Invitae), Labcorp); PubMed 26043506 (cited by OMIM).